The following is an entry in ClinVar:

ClinVar aggregate classification (germline): Uncertain significance. Review status: criteria provided, multiple submitters, no conflicts (2 of 4 stars). 2 submissions from 2 submitters: Uncertain significance (2). Last evaluated 2023-06-12.

Conditions:
Inborn genetic diseases. Identifiers: MedGen C0950123, MeSH D030342.

Allele frequency attached by ClinVar (database versions not stated): gnomAD exomes 0.00002 and 0.00005; TOPMed 0.00003; gnomAD 0.00004; ExAC 0.00007.

Submissions (2):

Ambry Genetics
Classification: Uncertain significance for Inborn genetic diseases. Last evaluated: 2023-06-12. Review status: criteria provided, single submitter. Criteria: Ambry Variant Classification Scheme 2023. Collection method: clinical testing. Allele origin: germline.

Labcorp Genetics (formerly Invitae), Labcorp
Classification: Uncertain significance. Last evaluated: 2022-07-26. Review status: criteria provided, single submitter. Criteria: Invitae Variant Classification Sherloc (09022015). Collection method: clinical testing. Allele origin: germline.
Comment: This sequence change replaces glycine, which is neutral and non-polar, with serine, which is neutral and polar, at codon 304 of the GPAA1 protein (p.Gly304Ser). This variant is present in population databases (rs781913054, gnomAD 0.03%). This variant has not been reported in the literature in individuals affected with GPAA1-related conditions. ClinVar contains an entry for this variant (Variation ID: 1516823). Algorithms developed to predict the effect of missense changes on protein structure and function are either unavailable or do not agree on the potential impact of this missense change (SIFT: "Deleterious"; PolyPhen-2: "Probably Damaging"; Align-GVGD: "Class C0"). Algorithms developed to predict the effect of sequence changes on RNA splicing suggest that this variant may create or strengthen a splice site. In summary, the available evidence is currently insufficient to determine the role of this variant in disease. Therefore, it has been classified as a Variant of Uncertain Significance.

NM_003801.4(GPAA1):c.910G>A (p.Gly304Ser)

Gene: GPAA1 (glycosylphosphatidylinositol anchor attachment 1; plus strand). Cytogenetic location: 8q24.3.
Variant type: single nucleotide variant.
Coding change: c.910G>A on transcript NM_003801.4 (MANE Select); coding-DNA position 910, G replaced by A.
Protein change: p.Gly304Ser; replaces glycine 304 with serine.
Molecular consequence: missense variant.
Genome position (GRCh38, 1-based): chr8:144,084,509, G>A. VCF-style: chr8-144084509-G-A. GRCh37 (hg19) VCF-style: chr8-145139412-G-A.
Other names: c.910G>A (NM_003801.3); short protein forms G304S.
Identifiers: ClinVar variation 1516823 (VCV001516823.4), dbSNP rs781913054, ClinGen allele CA4932971.